The following is an entry in ClinVar:

NM_014908.4(DOLK):c.671A>T (p.Asp224Val)

Gene: DOLK (dolichol kinase; minus strand). Cytogenetic location: 9q34.11.
Variant type: single nucleotide variant.
Coding change: c.671A>T on transcript NM_014908.4 (MANE Select); coding-DNA position 671, A replaced by T.
Protein change: p.Asp224Val; replaces aspartic acid 224 with valine.
Molecular consequence: missense variant.
Genome position (GRCh38, 1-based): chr9:128,946,633, T>A on the plus strand (A>T on the coding strand, the complement: DOLK is on the minus strand). VCF-style: chr9-128946633-T-A. GRCh37 (hg19) VCF-style: chr9-131708912-T-A.
Other names: short protein forms D224V.
Identifiers: ClinVar variation 227336 (VCV000227336.25), dbSNP rs17485436, ClinGen allele CA5271702.

ClinVar aggregate classification (germline): Conflicting classifications of pathogenicity. Review status: criteria provided, conflicting classifications (1 of 4 stars). 7 submissions from 7 submitters: Uncertain significance (2); Likely benign (5). Last evaluated 2026-05-06.

Conditions:
DOLK-related disorder. Also called: DOLK-related condition.
Cardiovascular phenotype. Identifiers: MedGen CN230736.
DK1-congenital disorder of glycosylation. Also called: DK1-CDG; DOLK-congenital disorder of glycosylation; Carbohydrate deficient glycoprotein syndrome type 1m; CONGENITAL DISORDER OF GLYCOSYLATION, TYPE Im; CDG Im; DK1 DEFICIENCY. Identifiers: Orphanet 91131, MedGen C1835849, MONDO:0012556, OMIM 610768.

Allele frequency attached by ClinVar (database versions not stated): gnomAD exomes 0.00006 and 0.00021; ExAC 0.00026; TOPMed 0.00066; gnomAD 0.00070 and 0.00074; 1000 Genomes Project 0.00080; ESP Exome Variant Server 0.00092; 1000 Genomes Project 30x 0.00141.

Submissions (7):

Women's Health and Genetics/Laboratory Corporation of America, LabCorp
Classification: Likely benign. Last evaluated: 2026-05-06. Review status: criteria provided, single submitter. Criteria: LabCorp Variant Classification Summary - May 2015. Collection method: clinical testing. Allele origin: germline.
Comment: Variant summary: DOLK c.671A>T (p.Asp224Val) results in a non-conservative amino acid change in the encoded protein sequence. Algorithms developed to predict the effect of missense changes on protein structure and function are either unavailable or do not agree on the potential impact of this missense change. The variant allele was found at a frequency of 0.00021 in 251478 control chromosomes, predominantly at a frequency of 0.0031 within the African or African-American subpopulation in the gnomAD database. The observed variant frequency within African or African-American control individuals in the gnomAD database exceeds the estimated maximal expected allele frequency for disease-causing variants in DOLK. To our knowledge, no occurrence of c.671A>T in individuals affected with DOLK-related conditions and no experimental evidence demonstrating its impact on protein function have been reported. ClinVar contains an entry for this variant (Variation ID: 227336). Based on the evidence outlined above, the variant was classified as likely benign.

Labcorp Genetics (formerly Invitae), Labcorp
Classification: Likely benign for DK1-congenital disorder of glycosylation. Last evaluated: 2026-02-02. Review status: criteria provided, single submitter. Criteria: Invitae Variant Classification Sherloc (09022015). Collection method: clinical testing. Allele origin: germline.

Ambry Genetics
Classification: Uncertain significance for Cardiovascular phenotype. Last evaluated: 2025-05-27. Review status: criteria provided, single submitter. Criteria: Ambry Variant Classification Scheme 2023. Collection method: clinical testing. Allele origin: germline.
Comment: The p.D224V variant (also known as c.671A>T), located in coding exon 1 of the DOLK gene, results from an A to T substitution at nucleotide position 671. The aspartic acid at codon 224 is replaced by valine, an amino acid with highly dissimilar properties. This amino acid position is well conserved in available vertebrate species. In addition, the in silico prediction for this alteration is inconclusive. Since supporting evidence is limited at this time, the clinical significance of this alteration remains unclear.

PreventionGenetics, part of Exact Sciences
Classification: Likely benign for DOLK-related condition. Last evaluated: 2025-02-21. Review status: criteria provided, single submitter. Criteria: ACMG Guidelines, 2015. Collection method: clinical testing. Allele origin: germline.
Comment: This variant is classified as likely benign based on ACMG/AMP sequence variant interpretation guidelines (Richards et al. 2015 PMID: 25741868, with internal and published modifications).

ARUP Laboratories, Molecular Genetics and Genomics, ARUP Laboratories
Classification: Uncertain significance for DK1-congenital disorder of glycosylation. Last evaluated: 2024-02-08. Review status: criteria provided, single submitter. Criteria: ARUP Molecular Germline Variant Investigation Process 2024. Collection method: clinical testing. Allele origin: germline.
Comment: The DOLK c.671A>T; p.Asp224Val variant (rs17485436), to our knowledge, is not reported in the medical literature but is reported in ClinVar (Variation ID: 227336). This variant is observed in the African population with an allele frequency of 0.3% (73/24946 alleles) in the Genome Aggregation Database (v2.1.1). Computational analyses are uncertain whether this variant is neutral or deleterious (REVEL: 0.51). Due to limited information, the clinical significance of this variant is uncertain at this time.

GeneDx
Classification: Likely benign. Last evaluated: 2020-10-12. Review status: criteria provided, single submitter. Criteria: GeneDx Variant Classification Process June 2021. Collection method: clinical testing. Allele origin: germline. Affected: yes.
Comment: Has not been previously published as pathogenic or benign to our knowledge; Reported as a likely benign variant in ClinVar but additional evidence is not available (SCV000270160.2, SCV000761345.1; Landrum et al., 2016); In silico analysis, which includes protein predictors and evolutionary conservation, supports that this variant does not alter protein structure/function

Laboratory for Molecular Medicine, Mass General Brigham Personalized Medicine
Classification: Likely benign. Last evaluated: 2016-03-22. Review status: criteria provided, single submitter. Criteria: LMM Criteria. Collection method: clinical testing. Allele origin: germline. Observed: 1 variant allele.
Comment: p.Asp224Val in exon 1 of DOLK: This variant is not expected to have clinical sig nificance because it has been identified in 0.3% (32/10394) of African chromosom es by the Exome Aggregation Consortium (ExAC; db SNP rs17485436).